The following is an entry in ClinVar:

ClinVar aggregate classification (germline): Pathogenic (1 of 4 stars; one submission).

Submission:

Labcorp Genetics (formerly Invitae), Labcorp
Classification: Pathogenic. Last evaluated: 2022-08-23. Review status: criteria provided, single submitter. Criteria: Invitae Variant Classification Sherloc (09022015). Collection method: clinical testing. Allele origin: germline.
Comment: For these reasons, this variant has been classified as Pathogenic. This variant has not been reported in the literature in individuals affected with BCAP31-related conditions. This variant is not present in population databases (gnomAD no frequency). This sequence change creates a premature translational stop signal (p.Ala99Profs*22) in the BCAP31 gene. It is expected to result in an absent or disrupted protein product. Loss-of-function variants in BCAP31 are known to be pathogenic (PMID: 24011989).

Literature cited by the submitters: PubMed 24011989.

NM_001256447.2(BCAP31):c.295del (p.Ala99fs)

Gene: BCAP31 (B cell receptor associated protein 31; minus strand). Cytogenetic location: Xq28.
Variant type: Deletion.
Coding change: c.295del on transcript NM_001256447.2 (MANE Select); coding-DNA position 295, one base deleted (G; older notation c.295delG).
Protein change: p.Ala99fs; shifts the reading frame from alanine 99.
Molecular consequence: frameshift variant.
Genome position (GRCh38, 1-based): chrX:153,715,588, C deleted on the plus strand (G on the coding strand, the reverse complement: BCAP31 is on the minus strand). VCF-style (leftmost placement, unchanged base first): chrX-153715587-GC-G. GRCh37 (hg19) VCF-style: chrX-152981042-GC-G.
Other names: c.295del, p.Ala99fs (NM_001139441.1, NM_005745.8); c.496del, p.Ala166fs (NM_001139457.2); short protein forms A166fs, A99fs.
Identifiers: ClinVar variation 2130100 (VCV002130100.4), dbSNP rs2522226655, ClinGen allele CA2580101683.